The following is an entry in ClinVar:

ClinVar aggregate classification (germline): Uncertain significance (1 of 4 stars; one submission).

Conditions:
Hereditary cancer-predisposing syndrome. Also called: Hereditary neoplastic syndrome; Hereditary Cancer Syndrome; Neoplastic Syndromes, Hereditary; Tumor predisposition. Identifiers: Orphanet 140162, MedGen C0027672, MeSH D009386, MONDO:0015356.

Submission:

Color Diagnostics, LLC DBA Color Health
Classification: Uncertain significance for Hereditary cancer-predisposing syndrome. Last evaluated: 2024-03-06. Review status: criteria provided, single submitter. Criteria: ACMG Guidelines, 2015. Collection method: clinical testing. Allele origin: germline.
Comment: This missense variant replaces glutamine with histidine at codon 790 of the PALB2 protein. Computational prediction suggests that this variant may not impact protein structure and function (internally defined REVEL score threshold <= 0.5, PMID: 27666373). To our knowledge, functional studies have not been reported for this variant. This variant has not been reported in individuals affected with hereditary cancer in the literature. This variant has not been identified in the general population by the Genome Aggregation Database (gnomAD). The available evidence is insufficient to determine the role of this variant in disease conclusively. Therefore, this variant is classified as a Variant of Uncertain Significance.

NM_024675.4(PALB2):c.2370A>C (p.Gln790His)

Gene: PALB2 (partner and localizer of BRCA2; minus strand). Cytogenetic location: 16p12.2.
Variant type: single nucleotide variant.
Coding change: c.2370A>C on transcript NM_024675.4 (MANE Select); coding-DNA position 2370, A replaced by C.
Protein change: p.Gln790His; replaces glutamine 790 with histidine.
Molecular consequence: missense variant. On other transcripts: intron variant (1).
Genome position (GRCh38, 1-based): chr16:23,629,784, T>G on the plus strand (A>C on the coding strand, the complement: PALB2 is on the minus strand). VCF-style: chr16-23629784-T-G. GRCh37 (hg19) VCF-style: chr16-23641105-T-G.
Other names: c.2310A>C, p.Gln770His (NM_001407296.1); c.2370A>C, p.Gln790His (NM_001407297.1, NM_001407298.1, NM_001407299.1 and 3 more transcripts); c.1485A>C, p.Gln495His (NM_001407304.1, NM_001407305.1, NM_001407306.1 and 5 more transcripts); c.582A>C, p.Gln194His (NM_001407312.1, NM_001407313.1); c.49-509A>C (NM_001407314.1); short protein forms Q194H, Q495H, Q770H, Q790H.
Identifiers: ClinVar variation 2774005 (VCV002774005.2), dbSNP rs1555460368, ClinGen allele CA395124730.